The following is an entry in ClinVar:

NM_015311.3(OBSL1):c.1268A>G (p.Asn423Ser)

Gene: OBSL1 (obscurin like cytoskeletal adaptor 1; minus strand). Cytogenetic location: 2q35.
Variant type: single nucleotide variant.
Coding change: c.1268A>G on transcript NM_015311.3 (MANE Select); coding-DNA position 1268, A replaced by G.
Protein change: p.Asn423Ser; replaces asparagine 423 with serine.
Molecular consequence: missense variant.
Genome position (GRCh38, 1-based): chr2:219,568,069, T>C on the plus strand (A>G on the coding strand, the complement: OBSL1 is on the minus strand). VCF-style: chr2-219568069-T-C. GRCh37 (hg19) VCF-style: chr2-220432791-T-C.
Other names: c.1268A>G, p.Asn423Ser (NM_001173408.2, NM_001173431.2); short protein forms N423S.
Identifiers: ClinVar variation 894815 (VCV000894815.11), dbSNP rs374200326, ClinGen allele CA2131588.

ClinVar aggregate classification (germline): Uncertain significance. Review status: criteria provided, multiple submitters, no conflicts (2 of 4 stars). 3 submissions from 3 submitters: Uncertain significance (3). Last evaluated 2024-04-20.

Conditions:
Inborn genetic diseases. Identifiers: MedGen C0950123, MeSH D030342.
3M syndrome 2. Also called: 3-M Syndrome, OBSL1-Related; THREE M SYNDROME 2. Identifiers: Orphanet 2616, MedGen C2752041, MONDO:0013039, OMIM 612921.

Allele frequency attached by ClinVar (database versions not stated): ExAC 0.00004; TOPMed 0.00005; gnomAD 0.00006; gnomAD exomes 0.00006 and 0.00007; ESP Exome Variant Server 0.00008.

Submissions (3):

Ambry Genetics
Classification: Uncertain significance for Inborn genetic diseases. Last evaluated: 2024-04-20. Review status: criteria provided, single submitter. Criteria: Ambry Variant Classification Scheme 2023. Collection method: clinical testing. Allele origin: germline.

Labcorp Genetics (formerly Invitae), Labcorp
Classification: Uncertain significance. Last evaluated: 2023-10-03. Review status: criteria provided, single submitter. Criteria: Invitae Variant Classification Sherloc (09022015). Collection method: clinical testing. Allele origin: germline.
Comment: This sequence change replaces asparagine, which is neutral and polar, with serine, which is neutral and polar, at codon 423 of the OBSL1 protein (p.Asn423Ser). This variant is present in population databases (rs374200326, gnomAD 0.01%). This variant has not been reported in the literature in individuals affected with OBSL1-related conditions. ClinVar contains an entry for this variant (Variation ID: 894815). An algorithm developed to predict the effect of missense changes on protein structure and function (PolyPhen-2) suggests that this variant is likely to be disruptive. In summary, the available evidence is currently insufficient to determine the role of this variant in disease. Therefore, it has been classified as a Variant of Uncertain Significance.

Illumina Laboratory Services, Illumina
Classification: Uncertain significance for 3M syndrome 2. Last evaluated: 2018-01-13. Review status: criteria provided, single submitter. Criteria: ICSL Variant Classification Criteria 13 December 2019. Collection method: clinical testing. Allele origin: germline.